The following is an entry in ClinVar:

NM_002691.4(POLD1):c.3225C>A (p.Asp1075Glu)

Gene: POLD1 (DNA polymerase delta 1, catalytic subunit; plus strand). Cytogenetic location: 19q13.33.
Variant type: single nucleotide variant.
Coding change: c.3225C>A on transcript NM_002691.4 (MANE Select); coding-DNA position 3225, C replaced by A.
Protein change: p.Asp1075Glu; replaces aspartic acid 1075 with glutamic acid.
Molecular consequence: missense variant. On other transcripts: non-coding transcript variant (1).
Genome position (GRCh38, 1-based): chr19:50,417,848, C>A. VCF-style: chr19-50417848-C-A. GRCh37 (hg19) VCF-style: chr19-50921105-C-A.
Other names: c.3225C>A, p.Asp1075Glu (NM_001256849.1); c.3303C>A, p.Asp1101Glu (NM_001308632.1); short protein forms D1075E, D1101E.
Identifiers: ClinVar variation 2773141 (VCV002773141.3), dbSNP rs2039392032, ClinGen allele CA406987678.

ClinVar aggregate classification (germline): Uncertain significance (1 of 4 stars; one submission).

Conditions:
POLD1-related polyposis and colorectal cancer syndrome (CRCS10). Also called: Colorectal cancer 10; Colorectal cancer, susceptibility to, 10; COLORECTAL CANCER, SUSCEPTIBILITY TO, ON CHROMOSOME 19q. Identifiers: Orphanet 220460, MedGen C2675481, MONDO:0012953, OMIM 612591.

Submission:

Labcorp Genetics (formerly Invitae), Labcorp
Classification: Uncertain significance for POLD1-related polyposis and colorectal cancer syndrome. Last evaluated: 2023-11-01. Review status: criteria provided, single submitter. Criteria: Invitae Variant Classification Sherloc (09022015). Collection method: clinical testing. Allele origin: germline.
Comment: This sequence change replaces aspartic acid, which is acidic and polar, with glutamic acid, which is acidic and polar, at codon 1075 of the POLD1 protein (p.Asp1075Glu). This variant is not present in population databases (gnomAD no frequency). This variant has not been reported in the literature in individuals affected with POLD1-related conditions. Advanced modeling of protein sequence and biophysical properties (such as structural, functional, and spatial information, amino acid conservation, physicochemical variation, residue mobility, and thermodynamic stability) performed at Invitae indicates that this missense variant is expected to disrupt POLD1 protein function with a positive predictive value of 80%. In summary, the available evidence is currently insufficient to determine the role of this variant in disease. Therefore, it has been classified as a Variant of Uncertain Significance.